The following is an entry in ClinVar:

ClinVar aggregate classification (germline): Uncertain significance (1 of 4 stars; one submission).

Conditions:
Hereditary cancer-predisposing syndrome. Also called: Tumor predisposition; Hereditary Cancer Syndrome; Hereditary neoplastic syndrome; Neoplastic Syndromes, Hereditary. Identifiers: Orphanet 140162, MedGen C0027672, MeSH D009386, MONDO:0015356.

Submission:

Ambry Genetics
Classification: Uncertain significance for Hereditary cancer-predisposing syndrome. Last evaluated: 2025-10-28. Review status: criteria provided, single submitter. Criteria: Ambry Variant Classification Scheme 2023. Collection method: clinical testing. Allele origin: germline.
Comment: The p.S16P variant (also known as c.46T>C), located in coding exon 1 of the TSC1 gene, results from a T to C substitution at nucleotide position 46. The serine at codon 16 is replaced by proline, an amino acid with similar properties. This amino acid position is conserved. In addition, this alteration is predicted to be deleterious by in silico analysis. Based on the available evidence, the clinical significance of this variant remains unclear.

NM_000368.5(TSC1):c.46T>C (p.Ser16Pro)

Gene: TSC1 (TSC complex subunit 1; minus strand). Cytogenetic location: 9q34.13.
Variant type: single nucleotide variant.
Coding change: c.46T>C on transcript NM_000368.5 (MANE Select); coding-DNA position 46, T replaced by C.
Protein change: p.Ser16Pro; replaces serine 16 with proline.
Molecular consequence: missense variant. On other transcripts: 5 prime UTR variant (16), non-coding transcript variant (5), intron variant (2).
Genome position (GRCh38, 1-based): chr9:132,928,827, A>G on the plus strand (T>C on the coding strand, the complement: TSC1 is on the minus strand). VCF-style: chr9-132928827-A-G. GRCh37 (hg19) VCF-style: chr9-135804214-A-G.
Other names: c.46T>C, p.Ser16Pro (NM_001162426.2, NM_001162427.2, NM_001406592.1 and 21 more transcripts); c.-214T>C (NM_001362177.2, NM_001406617.1, NM_001406619.1 and 3 more transcripts); c.-306T>C (NM_001406614.1); c.-443T>C (NM_001406615.1, NM_001406623.1); c.-410T>C (NM_001406616.1, NM_001406624.1); c.-832T>C (NM_001406626.1, NM_001406627.1, NM_001406628.1); c.-974T>C (NM_001406629.1); c.-1048T>C (NM_001406630.1); and 1 more; short protein forms S16P.
Identifiers: ClinVar variation 4554329 (VCV004554329.1).